The following is an entry in ClinVar:

ClinVar aggregate classification (germline): Pathogenic/Likely pathogenic. Review status: criteria provided, multiple submitters, no conflicts (2 of 4 stars). 2 submissions from 2 submitters: Pathogenic (1); Likely pathogenic (1). Last evaluated 2022-01-02.

Conditions:
Maple syrup urine disease (MSUD). Identifiers: Orphanet 511, MedGen C0024776, MeSH D008375, MONDO:0009563. Disease mechanism: loss of function.

Submissions (2):

Baylor Genetics
Classification: Likely pathogenic for Maple syrup urine disease type 1A. Last evaluated: 2022-01-02. Review status: criteria provided, single submitter. Criteria: ACMG Guidelines, 2015. Collection method: clinical testing. Allele origin: unknown.

Labcorp Genetics (formerly Invitae), Labcorp
Classification: Pathogenic for Maple syrup urine disease. Last evaluated: 2020-03-14. Review status: criteria provided, single submitter. Criteria: Invitae Variant Classification Sherloc (09022015). Collection method: clinical testing. Allele origin: germline.
Comment: For these reasons, this variant has been classified as Pathogenic. Loss-of-function variants in BCKDHA are known to be pathogenic (PMID: 16786533, 22593002). This variant has not been reported in the literature in individuals with BCKDHA-related conditions. The frequency data for this variant in the population databases is considered unreliable, as metrics indicate poor data quality at this position in the ExAC database. This sequence change creates a premature translational stop signal (p.Arg40Profs*24) in the BCKDHA gene. It is expected to result in an absent or disrupted protein product.

Literature cited by the submitters: PubMed 16786533 (cited by Labcorp Genetics (formerly Invitae), Labcorp); PubMed 22593002 (cited by Labcorp Genetics (formerly Invitae), Labcorp).

NM_000709.4(BCKDHA):c.116_117dup (p.Arg40fs)

Gene: BCKDHA (branched chain keto acid dehydrogenase E1 subunit alpha; plus strand). Cytogenetic location: 19q13.2.
Variant type: Duplication.
Coding change: c.116_117dup on transcript NM_000709.4 (MANE Select); coding-DNA positions 116 to 117, 2 bases duplicated (CC; older notation c.116_117dupCC).
Protein change: p.Arg40fs; shifts the reading frame from arginine 40.
Molecular consequence: frameshift variant.
Genome position (GRCh38, 1-based): chr19:41,410,644-41,410,645, CC duplicated; duplicating any 2 consecutive bases within chr19:41,410,639-41,410,645 gives the same sequence; the c. name uses the placement nearest the transcript's 3' end. VCF-style (leftmost placement, unchanged base first): chr19-41410638-A-ACC. GRCh37 (hg19) VCF-style: chr19-41916543-A-ACC.
Other names: c.116_117dup, p.Arg40fs (NM_001164783.2); short protein forms R40fs.
Identifiers: ClinVar variation 1075969 (VCV001075969.8), dbSNP rs398123489, ClinGen allele CA9460999.
Genomic context (GRCh38, chr19:41,410,638, plus strand): 5'-CCAGCGGAAACCTGGGTGCTGCTTCTGATGCAGGTGGTCTCCTCTGCTCTCTTCCCCAGC[A>ACC]CCCCCCCAGGCAGCAGCAGCAGTTTTCATCTCTGGATGACAAGCCCCAGTTCCCAGGGGC-3'